The following is an entry in ClinVar:

ClinVar aggregate classification (germline): Likely benign (1 of 4 stars; one submission).

gnomAD v4.1: 5 of 1,209,568 alleles (0.00041%); highest among the groups gnomAD compares: Non-Finnish European, 0.00056%; no homozygotes.

Submission:

CeGaT Center for Human Genetics Tuebingen
Classification: Likely benign. Last evaluated: 2026-02-01. Review status: criteria provided, single submitter. Criteria: CeGaT Center For Human Genetics Tuebingen Variant Classification Criteria Version 2. Collection method: clinical testing. Allele origin: germline. Affected: yes. Observed: 1 variant allele.
Comment: BCORL1: BP4, BP7

NM_001379451.1(BCORL1):c.1590C>T (p.Ser530=)

Gene: BCORL1 (BCL6 corepressor like 1; plus strand). Cytogenetic location: Xq26.1.
Variant type: single nucleotide variant.
Coding change: c.1590C>T on transcript NM_001379451.1 (MANE Select); coding-DNA position 1590, C replaced by T.
Protein change: p.Ser530=; no amino-acid change (serine 530 retained).
Molecular consequence: synonymous variant.
Genome position (GRCh38, 1-based): chrX:130,014,362, C>T. VCF-style: chrX-130014362-C-T. GRCh37 (hg19) VCF-style: chrX-129148338-C-T.
Other names: c.1590C>T, p.Ser530= (NM_001184772.3, NM_001379450.1, NM_001441326.1 and 7 more transcripts).
Identifiers: ClinVar variation 4822250 (VCV004822250.4).
Genomic context (GRCh38, chrX:130,014,362, plus strand): 5'-GCCTCTGACTTCGGATTCCAAGCTGGTATCTCTGGAGGTGAACAGGCTCCCCTGCACTTC[C>T]CCATCCGGTAGCACCACCACCCAGCCTGCACCCGATGGGGTCCCTGGGCCTTTGGCAGAT-3'
Protein context (NP_001366380.1, residues 520-540): SLEVNRLPCT[Ser530=]PSGSTTTQPA